The following is an entry in ClinVar:

NM_016239.4(MYO15A):c.9982A>C (p.Ser3328Arg)

Gene: MYO15A (myosin XVA; plus strand). Cytogenetic location: 17p11.2.
Variant type: single nucleotide variant.
Coding change: c.9982A>C on transcript NM_016239.4 (MANE Select); coding-DNA position 9982, A replaced by C.
Protein change: p.Ser3328Arg; replaces serine 3328 with arginine.
Molecular consequence: missense variant.
Genome position (GRCh38, 1-based): chr17:18,167,623, A>C. VCF-style: chr17-18167623-A-C. GRCh37 (hg19) VCF-style: chr17-18070937-A-C.
Other names: short protein forms S3328R.
Identifiers: ClinVar variation 178451 (VCV000178451.8), dbSNP rs376470294, ClinGen allele CA182357.

ClinVar aggregate classification (germline): Conflicting classifications of pathogenicity. Review status: criteria provided, conflicting classifications (1 of 4 stars). 3 submissions from 3 submitters: Uncertain significance (2); Likely benign (1). Last evaluated 2025-10-22.

Conditions:
Inborn genetic diseases. Identifiers: MedGen C0950123, MeSH D030342.

Allele frequency attached by ClinVar (database versions not stated): gnomAD exomes below 0.00001 and 0.00001; ExAC 0.00003; TOPMed 0.00006; gnomAD 0.00007; ESP Exome Variant Server 0.00016.
gnomAD v4.1: 13 of 1,603,626 alleles (0.00081%); highest among the groups gnomAD compares: African/African-American, 0.017%; no homozygotes.

Submissions (3):

Ambry Genetics
Classification: Uncertain significance for Inborn genetic diseases. Last evaluated: 2025-10-22. Review status: criteria provided, single submitter. Criteria: Ambry Variant Classification Scheme 2023. Collection method: clinical testing. Allele origin: germline.

Labcorp Genetics (formerly Invitae), Labcorp
Classification: Likely benign. Last evaluated: 2023-08-07. Review status: criteria provided, single submitter. Criteria: Invitae Variant Classification Sherloc (09022015). Collection method: clinical testing. Allele origin: germline.

Laboratory for Molecular Medicine, Mass General Brigham Personalized Medicine
Classification: Uncertain significance. Last evaluated: 2013-10-11. Review status: criteria provided, single submitter. Criteria: LMM Criteria. Collection method: clinical testing. Allele origin: germline. Observed: 1 variant allele.
Comment: The Ser3328Arg variant in MYO15A has not been previously reported in individuals with hearing loss, but has been identified in 0.04% (2/4102) of African America n chromosomes by the NHLBI Exome Sequencing Project (u/EVS/; dbSNP rs376470294). Computational analyses (biochemical amino acid prope rties, conservation, AlignGVGD, PolyPhen2, and SIFT) do not provide strong suppo rt for or against an impact to the protein. In summary, additional data is neede d to determine the clinical significance of this variant.